The following is an entry in ClinVar:

ClinVar aggregate classification (germline): Uncertain significance (1 of 4 stars; one submission).

Conditions:
Hereditary cancer-predisposing syndrome. Also called: Neoplastic Syndromes, Hereditary; Tumor predisposition; Hereditary neoplastic syndrome; Hereditary Cancer Syndrome. Identifiers: Orphanet 140162, MedGen C0027672, MeSH D009386, MONDO:0015356.

Allele frequency attached by ClinVar (database versions not stated): gnomAD exomes below 0.00001.
gnomAD v4.1: 2 of 1,613,934 alleles (0.00012%); highest among the groups gnomAD compares: Non-Finnish European, 0.00017%; no homozygotes.

Submission:

Ambry Genetics
Classification: Uncertain significance for Hereditary cancer-predisposing syndrome. Last evaluated: 2024-02-17. Review status: criteria provided, single submitter. Criteria: Ambry Variant Classification Scheme 2023. Collection method: clinical testing. Allele origin: germline.
Comment: The p.E524K variant (also known as c.1570G>A), located in coding exon 9 of the DICER1 gene, results from a G to A substitution at nucleotide position 1570. The glutamic acid at codon 524 is replaced by lysine, an amino acid with similar properties. This amino acid position is conserved. In addition, this alteration is predicted to be deleterious by in silico analysis. Based on the available evidence, the clinical significance of this alteration remains unclear.

NM_177438.3(DICER1):c.1570G>A (p.Glu524Lys)

Gene: DICER1 (dicer 1, ribonuclease III; minus strand). Cytogenetic location: 14q32.13.
Variant type: single nucleotide variant.
Coding change: c.1570G>A on transcript NM_177438.3 (MANE Select); coding-DNA position 1570, G replaced by A.
Protein change: p.Glu524Lys; replaces glutamic acid 524 with lysine.
Molecular consequence: missense variant. On other transcripts: non-coding transcript variant (6), intron variant (1).
Genome position (GRCh38, 1-based): chr14:95,116,635, C>T on the plus strand (G>A on the coding strand, the complement: DICER1 is on the minus strand). VCF-style: chr14-95116635-C-T. GRCh37 (hg19) VCF-style: chr14-95582972-C-T.
Other names: c.1570G>A, p.Glu524Lys (NM_001195573.1, NM_001271282.3, NM_001291628.2 and 13 more transcripts); c.1288G>A, p.Glu430Lys (NM_001395686.1); c.1165G>A, p.Glu389Lys (NM_001395687.1, NM_001395688.1, NM_001395689.1 and 3 more transcripts); c.1003G>A, p.Glu335Lys (NM_001395691.1); c.-59-55G>A (NM_001395697.1); short protein forms E335K, E389K, E430K, E524K.
Identifiers: ClinVar variation 3229317 (VCV003229317.1), dbSNP rs2140125683, ClinGen allele CA390885053.